The following is an entry in ClinVar:

ClinVar aggregate classification (germline): Pathogenic/Likely pathogenic. Review status: criteria provided, multiple submitters, no conflicts (2 of 4 stars). 2 submissions from 2 submitters: Pathogenic (1); Likely pathogenic (1). Last evaluated 2024-06-12.

Conditions:
Sucrase-isomaltase deficiency (CSID). Also called: Deficiency of isomaltase; SI DEFICIENCY; Congenital sucrose isomaltose malabsorption; Sucrose isomaltose enzyme deficiency. Identifiers: Orphanet 35122, MedGen C1283620, MONDO:0009114, OMIM 222900.

Allele frequency attached by ClinVar (database versions not stated): gnomAD 0.00001; gnomAD exomes 0.00001.
gnomAD v4.1: 7 of 1,611,902 alleles (0.00043%); highest among the groups gnomAD compares: Non-Finnish European, 0.00059%; no homozygotes.

Submissions (2):

Fulgent Genetics
Classification: Likely pathogenic for Sucrase-isomaltase deficiency. Last evaluated: 2024-06-12. Review status: criteria provided, single submitter. Criteria: ACMG Guidelines, 2015. Collection method: clinical testing. Allele origin: germline.

Labcorp Genetics (formerly Invitae), Labcorp
Classification: Pathogenic. Last evaluated: 2023-08-04. Review status: criteria provided, single submitter. Criteria: Invitae Variant Classification Sherloc (09022015). Collection method: clinical testing. Allele origin: germline.
Comment: Algorithms developed to predict the effect of sequence changes on RNA splicing suggest that this variant may disrupt the consensus splice site. For these reasons, this variant has been classified as Pathogenic. This sequence change creates a premature translational stop signal (p.Gln1178*) in the SI gene. It is expected to result in an absent or disrupted protein product. Loss-of-function variants in SI are known to be pathogenic (PMID: 16329100, 23103650, 25452324). ClinVar contains an entry for this variant (Variation ID: 1420526). This variant has not been reported in the literature in individuals affected with SI-related conditions. This variant is not present in population databases (gnomAD no frequency).

Literature cited by the submitters: PubMed 16329100 (cited by Labcorp Genetics (formerly Invitae), Labcorp); PubMed 23103650 (cited by Labcorp Genetics (formerly Invitae), Labcorp); PubMed 25452324 (cited by Labcorp Genetics (formerly Invitae), Labcorp).

NM_001041.4(SI):c.3532C>T (p.Gln1178Ter)

Gene: SI (sucrase-isomaltase; minus strand). Cytogenetic location: 3q26.1.
Variant type: single nucleotide variant.
Coding change: c.3532C>T on transcript NM_001041.4 (MANE Select); coding-DNA position 3532, C replaced by T.
Protein change: p.Gln1178Ter; replaces glutamine 1178 with a stop codon.
Molecular consequence: nonsense.
Genome position (GRCh38, 1-based): chr3:165,017,862, G>A on the plus strand (C>T on the coding strand, the complement: SI is on the minus strand). VCF-style: chr3-165017862-G-A. GRCh37 (hg19) VCF-style: chr3-164735650-G-A.
Other names: short protein forms Q1178*.
Identifiers: ClinVar variation 1420526 (VCV001420526.7), dbSNP rs898055093, ClinGen allele CA86511204.